The following is an entry in ClinVar:

NM_006846.4(SPINK5):c.1896C>T (p.Cys632=)

Gene: SPINK5 (serine peptidase inhibitor Kazal type 5; plus strand). Cytogenetic location: 5q32.
Variant type: single nucleotide variant.
Coding change: c.1896C>T on transcript NM_006846.4 (MANE Select); coding-DNA position 1896, C replaced by T.
Protein change: p.Cys632=; no amino-acid change (cysteine 632 retained).
Molecular consequence: synonymous variant.
Genome position (GRCh38, 1-based): chr5:148,114,370, C>T. VCF-style: chr5-148114370-C-T. GRCh37 (hg19) VCF-style: chr5-147493933-C-T.
Other names: c.1896C>T, p.Cys632= (NM_001127698.2, NM_001127699.2).
Identifiers: ClinVar variation 729961 (VCV000729961.34), dbSNP rs764541508, ClinGen allele CA3495793.
Genomic context (GRCh38, chr5:148,114,370, plus strand): 5'-AAACTAATTTCCCAGAAGATACTCAAGCTTTCTCCTTTTCTTTTCCTTTTAGGAGACATG[C>T]GATGAATTTCGGAGACTTTTGCAAAATGGAAAACTTTTCTGCACAAGAGAAAATGATCCT-3'
Protein context (NP_006837.2, residues 622-642): KVKREAEKET[Cys632=]DEFRRLLQNG

ClinVar aggregate classification (germline): Likely benign. Review status: criteria provided, multiple submitters, no conflicts (2 of 4 stars). 2 submissions from 2 submitters: Likely benign (2). Last evaluated 2026-07-01.

Conditions:
Ichthyosis linearis circumflexa. Identifiers: MedGen C0265962, MONDO:0043106, HP:0025810.

Allele frequency attached by ClinVar (database versions not stated): ExAC 0.00003; gnomAD 0.00007 and 0.00009; gnomAD exomes 0.00007.
gnomAD v4.1: 59 of 1,611,370 alleles (0.0037%); highest among the groups gnomAD compares: Middle Eastern, 0.016%; no homozygotes.

Submissions (2):

CeGaT Center for Human Genetics Tuebingen
Classification: Likely benign. Last evaluated: 2026-07-01. Review status: criteria provided, single submitter. Criteria: CeGaT Center For Human Genetics Tuebingen Variant Classification Criteria Version 2. Collection method: clinical testing. Allele origin: germline. Affected: yes. Observed: 2 variant alleles.
Comment: SPINK5: BP4, BP7

Labcorp Genetics (formerly Invitae), Labcorp
Classification: Likely benign for Ichthyosis linearis circumflexa. Last evaluated: 2025-12-15. Review status: criteria provided, single submitter. Criteria: Invitae Variant Classification Sherloc (09022015). Collection method: clinical testing. Allele origin: germline.